The following is an entry in ClinVar:

NM_018192.4(P3H2):c.575G>A (p.Arg192Lys)

Gene: P3H2 (prolyl 3-hydroxylase 2; minus strand). Cytogenetic location: 3q28.
Variant type: single nucleotide variant.
Coding change: c.575G>A on transcript NM_018192.4 (MANE Select); coding-DNA position 575, G replaced by A.
Protein change: p.Arg192Lys; replaces arginine 192 with lysine.
Molecular consequence: missense variant.
Genome position (GRCh38, 1-based): chr3:189,995,348, C>T on the plus strand (G>A on the coding strand, the complement: P3H2 is on the minus strand). VCF-style: chr3-189995348-C-T. GRCh37 (hg19) VCF-style: chr3-189713137-C-T.
Other names: c.32G>A, p.Arg11Lys (NM_001134418.2); short protein forms R192K, R11K.
Identifiers: ClinVar variation 1389589 (VCV001389589.6), dbSNP rs2108924743, ClinGen allele CA355759808.

ClinVar aggregate classification (germline): Uncertain significance (1 of 4 stars; one submission).

gnomAD v4.1: 1 of 1,614,080 alleles (0.000062%); highest among the groups gnomAD compares: Non-Finnish European, 0.000085%; no homozygotes.

Submission:

Labcorp Genetics (formerly Invitae), Labcorp
Classification: Uncertain significance. Last evaluated: 2021-11-23. Review status: criteria provided, single submitter. Criteria: Invitae Variant Classification Sherloc (09022015). Collection method: clinical testing. Allele origin: germline.
Comment: In summary, the available evidence is currently insufficient to determine the role of this variant in disease. Therefore, it has been classified as a Variant of Uncertain Significance. Algorithms developed to predict the effect of missense changes on protein structure and function output the following: SIFT: "Tolerated"; PolyPhen-2: "Benign"; Align-GVGD: "Class C0". The lysine amino acid residue is found in multiple mammalian species, which suggests that this missense change does not adversely affect protein function. This variant has not been reported in the literature in individuals affected with P3H2-related conditions. This variant is not present in population databases (gnomAD no frequency). This sequence change replaces arginine, which is basic and polar, with lysine, which is basic and polar, at codon 192 of the P3H2 protein (p.Arg192Lys).